The following is an entry in ClinVar:

NR_046473.1(MEG3):n.5431A>T

Gene: MEG3 (maternally expressed 3; plus strand). Cytogenetic location: 14q32.2.
Variant type: single nucleotide variant.
Molecular consequence: non-coding transcript variant (on NR_046473.1).
Genome position: GRCh38 VCF-style: chr14-100850047-A-T. GRCh37 (hg19) VCF-style: chr14-101316384-A-T.
Identifiers: ClinVar variation 3046670 (VCV003046670.2), dbSNP rs183197656, ClinGen allele CA266869898.
Genomic context (GRCh38, chr14:100,850,047, plus strand): 5'-ATAAAATAGATGCAATTGAGGTTCATAAATAAAAGAATAAATACTTAAACGTGAAAGGTG[A>T]CTAAATGCGGGGAAGAAAGATTGCAAATAAATACATGGGCCAAAGATGTTTGGTTTGCCC-3'

ClinVar aggregate classification (germline): Likely benign (0 of 4 stars; one submission).

Conditions:
MEG3-related disorder. Also called: MEG3-related condition.

Allele frequency attached by ClinVar (database versions not stated): gnomAD 0.00208; TOPMed 0.00211; 1000 Genomes Project 0.00280; 1000 Genomes Project 30x 0.00281.

Submission:

PreventionGenetics, part of Exact Sciences
Classification: Likely benign for MEG3-related condition. Last evaluated: 2022-06-27. Review status: no assertion criteria provided. Collection method: clinical testing. Allele origin: germline.
Comment: This variant is classified as likely benign based on ACMG/AMP sequence variant interpretation guidelines (Richards et al. 2015 PMID: 25741868, with internal and published modifications).